The following is an entry in ClinVar:

NM_000057.4(BLM):c.3271C>A (p.His1091Asn)

Gene: BLM (BLM RecQ like helicase; plus strand). Cytogenetic location: 15q26.1.
Variant type: single nucleotide variant.
Coding change: c.3271C>A on transcript NM_000057.4 (MANE Select); coding-DNA position 3271, C replaced by A.
Protein change: p.His1091Asn; replaces histidine 1091 with asparagine.
Molecular consequence: missense variant.
Genome position (GRCh38, 1-based): chr15:90,798,250, C>A. VCF-style: chr15-90798250-C-A. GRCh37 (hg19) VCF-style: chr15-91341480-C-A.
Other names: c.3271C>A (NM_000057.3); c.3271C>A, p.His1091Asn (NM_001287246.2, NM_001287247.2); c.2146C>A, p.His716Asn (NM_001287248.2); short protein forms H716N, H1091N.
Identifiers: ClinVar variation 1469007 (VCV001469007.12), dbSNP rs766959096, ClinGen allele CA393847230.
Genomic context (GRCh38, chr15:90,798,250, plus strand): 5'-GATTATAAAACAAGAGATGTGACTGACGATGTGAAAAGTATTGTAAGATTTGTTCAAGAA[C>A]ATAGTTCATCACAAGGAATGAGAAATATAAAACATGTAGGTCCTTCTGGAAGATTTACTA-3'
Protein context (NP_000048.1, residues 1081-1101): VKSIVRFVQE[His1091Asn]SSSQGMRNIK

ClinVar aggregate classification (germline): Conflicting classifications of pathogenicity. Review status: criteria provided, conflicting classifications (1 of 4 stars). 4 submissions from 4 submitters: Uncertain significance (3); Likely benign (1). Last evaluated 2025-05-18.

Conditions:
Hereditary cancer-predisposing syndrome. Also called: Tumor predisposition; Hereditary Cancer Syndrome; Hereditary neoplastic syndrome; Neoplastic Syndromes, Hereditary. Identifiers: Orphanet 140162, MedGen C0027672, MeSH D009386, MONDO:0015356.
Bloom syndrome (BLM). Also called: Bloom-Torre-Machacek syndrome. Identifiers: Orphanet 125, MedGen C0005859, MONDO:0008876, OMIM 210900.

Allele frequency attached by ClinVar (database versions not stated): TOPMed below 0.00001.
gnomAD v4.1: 1 of 1,611,402 alleles (0.000062%); no homozygotes.

Submissions (4):

Labcorp Genetics (formerly Invitae), Labcorp
Classification: Uncertain significance for Bloom syndrome. Last evaluated: 2025-05-18. Review status: criteria provided, single submitter. Criteria: Invitae Variant Classification Sherloc (09022015). Collection method: clinical testing. Allele origin: germline.
Comment: This sequence change replaces histidine, which is basic and polar, with asparagine, which is neutral and polar, at codon 1091 of the BLM protein (p.His1091Asn). This variant is not present in population databases (gnomAD no frequency). This variant has not been reported in the literature in individuals affected with BLM-related conditions. ClinVar contains an entry for this variant (Variation ID: 1469007). Invitae Evidence Modeling of protein sequence and biophysical properties (such as structural, functional, and spatial information, amino acid conservation, physicochemical variation, residue mobility, and thermodynamic stability) indicates that this missense variant is not expected to disrupt BLM protein function with a negative predictive value of 80%. In summary, the available evidence is currently insufficient to determine the role of this variant in disease. Therefore, it has been classified as a Variant of Uncertain Significance.

Quest Diagnostics Nichols Institute San Juan Capistrano
Classification: Uncertain significance. Last evaluated: 2025-02-14. Review status: criteria provided, single submitter. Criteria: Quest Diagnostics criteria. Collection method: clinical testing. Allele origin: unknown.
Comment: The BLM c.3271C>A (p.His1091Asn) variant has not been reported in individuals with BLM-related conditions in the published literature. It also has not been reported in large, multi-ethnic general populations (Genome Aggregation Database). Analysis of this variant using bioinformatics tools for the prediction of the effect of amino acid changes on protein structure and function yielded predictions that this variant is benign. Based on the available information, we are unable to determine the clinical significance of this variant.

GeneDx
Classification: Uncertain significance. Last evaluated: 2024-09-16. Review status: criteria provided, single submitter. Criteria: GeneDx Variant Classification Process June 2021. Collection method: clinical testing. Allele origin: germline. Affected: yes.
Comment: Not observed at significant frequency in large population cohorts (gnomAD); In silico analysis indicates that this missense variant does not alter protein structure/function; Has not been previously published as pathogenic or benign to our knowledge

Ambry Genetics
Classification: Likely benign for Hereditary cancer-predisposing syndrome. Last evaluated: 2024-03-14. Review status: criteria provided, single submitter. Criteria: Ambry Variant Classification Scheme 2023. Collection method: clinical testing. Allele origin: germline.